The following is an entry in ClinVar:

NM_000142.5(FGFR3):c.344A>T (p.Gln115Leu)

Gene: FGFR3 (fibroblast growth factor receptor 3; plus strand). Cytogenetic location: 4p16.3.
Variant type: single nucleotide variant.
Coding change: c.344A>T on transcript NM_000142.5 (MANE Select); coding-DNA position 344, A replaced by T.
Protein change: p.Gln115Leu; replaces glutamine 115 with leucine.
Molecular consequence: missense variant. On other transcripts: non-coding transcript variant (1).
Genome position (GRCh38, 1-based): chr4:1,799,488, A>T. VCF-style: chr4-1799488-A-T. GRCh37 (hg19) VCF-style: chr4-1801215-A-T.
Other names: c.344A>T, p.Gln115Leu (NM_001163213.2, NM_001354809.2, NM_001354810.2 and 1 more transcripts); short protein forms Q115L.
Identifiers: ClinVar variation 4857784 (VCV004857784.1), dbSNP rs587778769.

ClinVar aggregate classification (germline): Uncertain significance (1 of 4 stars; one submission).

Conditions:
Hypochondroplasia (HCH). Identifiers: Orphanet 429, MedGen C0410529, MONDO:0007793, OMIM 146000. Disease mechanism: gain of function.

Submission:

Genomenon, Inc
Classification: Uncertain significance for Hypochondroplasia. Last evaluated: 2026-06-23. Review status: criteria provided, single submitter. Criteria: Genomenon Sequence Variant Interpretation Standards - Updated. Collection method: curation. Allele origin: germline. Affected: yes.
Comment: FGFR3 p.Gln115Leu (c.344A>T) is a missense variant that changes the amino acid at codon 115 from Glutamine to Leucine. This variant has been observed in at least one proband with hypochondroplasia (PMID:22903874). It is absent or not present at a significant frequency in gnomAD. In conclusion, we classify FGFR3 p.Gln115Leu (c.344A>T) as a variant of uncertain significance.

Literature cited by the submitters: PubMed 22903874; PubMed 30681580.